The following is an entry in ClinVar:

NM_000530.8(MPZ):c.418T>A (p.Ser140Thr)

Gene: MPZ (myelin protein zero; minus strand). Cytogenetic location: 1q23.3.
Variant type: single nucleotide variant.
Coding change: c.418T>A on transcript NM_000530.8 (MANE Select); coding-DNA position 418, T replaced by A.
Protein change: p.Ser140Thr; replaces serine 140 with threonine.
Molecular consequence: missense variant.
Genome position (GRCh38, 1-based): chr1:161,306,738, A>T on the plus strand (T>A on the coding strand, the complement: MPZ is on the minus strand). VCF-style: chr1-161306738-A-T. GRCh37 (hg19) VCF-style: chr1-161276528-A-T.
Other names: c.418T>A (LRG_256t1); c.418T>A, p.Ser140Thr (NM_001315491.2); short protein forms S140T.
Identifiers: ClinVar variation 447730 (VCV000447730.22), dbSNP rs572010627, ClinGen allele CA1210178.
Genomic context (GRCh38, chr1:161,306,738, plus strand): 5'-CCATACCCTTGTCCCCATCCCTTCTCACACCTTTTTCAAAGACATACAGCGTGACCTGAG[A>T]GGTCTTGCCCACTATGTCTGGAGGGTTTTTGACGTCACAAGTGAACGTGCCATTGTCACT-3'
Protein context (NP_000521.2, residues 130-150): KNPPDIVGKT[Ser140Thr]QVTLYVFEKV

ClinVar aggregate classification (germline): Pathogenic/Likely pathogenic. Review status: criteria provided, multiple submitters, no conflicts (2 of 4 stars). 9 submissions from 9 submitters: Pathogenic (3); Likely pathogenic (5). 1 of the submissions does not count toward it. Last evaluated 2025-10-23.

Conditions:
MPZ-related polyneuropathy.
MPZ-related disorder. Also called: MPZ-related disorders; MPZ-related condition.
Charcot-Marie-Tooth disease. Also called: Charcot-Marie-Tooth Hereditary Neuropathy; Charcot-Marie-Tooth Neuropathy. Identifiers: Orphanet 166, MedGen C0007959, MONDO:0015626.
Charcot-Marie-Tooth disease, type I (CMT1). Also called: Charcot-Marie-Tooth, Type 1; Charcot-Marie-Tooth disease type 1. Identifiers: Orphanet 65753, MedGen C0751036, MONDO:0019011.
Charcot-Marie-Tooth disease type 1B. Also called: Charcot-Marie-Tooth disease, type IB; HEREDITARY MOTOR AND SENSORY NEUROPATHY I; HEREDITARY MOTOR AND SENSORY NEUROPATHY IB; CHARCOT-MARIE-TOOTH DISEASE, AUTOSOMAL DOMINANT, WITH FOCALLY FOLDED MYELIN SHEATHS, TYPE 1B; CHARCOT-MARIE-TOOTH DISEASE, SLOW NERVE CONDUCTION TYPE, LINKED TO DUFFY; CHARCOT-MARIE-TOOTH NEUROPATHY, TYPE 1B. Identifiers: Orphanet 101082, MedGen C0270912, MONDO:0007307, OMIM 118200.

Allele frequency attached by ClinVar (database versions not stated): gnomAD exomes 0.00001; ExAC 0.00002.
gnomAD v4.1: 3 of 1,614,048 alleles (0.00019%); highest among the groups gnomAD compares: Non-Finnish European, 0.00025%; no homozygotes.

Submissions (9):

Clinical Genetics Laboratory, Region Ostergotland
Classification: Pathogenic for MPZ-related polyneuropathy. Last evaluated: 2025-10-23. Review status: criteria provided, single submitter. Criteria: ACMG Guidelines, 2015. Collection method: clinical testing. Allele origin: germline. Affected: yes.
Comment: The NM_000530.8:c.418T>A missense variant (REVEL score = 0.692) is rare in population database (0.00047% gnomAD-nonUKB v4.1.0) and is located in a cluster of amino acids in the MPZ ex- tracellular domain where substitutions are reported as disease causing (PMID:26310628). The variant cosegregates with disease in multiple affected family members and the prevalence of the variant in affected individuals is significantly increased compared with controls (PMID:12207932, PMID:14711881, PMID: 37273706 and in-house data). The following ACMG/AMP criteria were applied in classifying this variant: PM1, PM2, PP1_strong, PP3, PS4_moderate

Variantyx, Inc.
Classification: Likely pathogenic for Charcot-Marie-Tooth disease type 1B. Last evaluated: 2025-09-23. Review status: criteria provided, single submitter. Criteria: Variantyx Assertion Criteria 2022. Collection method: clinical testing. Allele origin: germline. Inheritance: Autosomal dominant inheritance. Affected: yes.
Comment: This is a nonsynonymous variant in the MPZ gene (OMIM: 159440). Pathogenic variants in this gene have been associated with autosomal dominant Charcot-Marie-Tooth disease type 1B (CMT1B). This variant has been reported in at least 2 unrelated affected individuals (PMID: 12207932, 36203352) (PS4_Moderate) and observed to segregate with disease in at least 3 individuals from one family (PMID: 12207932 ) (PP1). This variant lies within a known hotspot for pathogenic variants or a well-established critical functional domain of the MPZ protein (PM1) and multiple computational algorithms predict a deleterious effect for this variant (REVEL score: 0.692) (PP3). This variant has a 0.0009% maximum allele frequency in non-founder control populations (PM2). Based on the current evidence, this variant is classified as likely pathogenic for autosomal dominant Charcot-Marie-Tooth disease type 1B (CMT1B).

Labcorp Genetics (formerly Invitae), Labcorp
Classification: Pathogenic for Charcot-Marie-Tooth disease, type I. Last evaluated: 2025-04-27. Review status: criteria provided, single submitter. Criteria: Invitae Variant Classification Sherloc (09022015). Collection method: clinical testing. Allele origin: germline.
Comment: This sequence change replaces serine, which is neutral and polar, with threonine, which is neutral and polar, at codon 140 of the MPZ protein (p.Ser140Thr). This variant is present in population databases (rs572010627, gnomAD 0.002%). This missense change has been observed in individuals with Charcot-Marie-Tooth disease (PMID: 12207932, 14711881, 26310628). It has also been observed to segregate with disease in related individuals. Invitae Evidence Modeling of clinical and family history, age, sex, and reported ancestry of multiple individuals with this MPZ variant has been performed. This variant is expected to be pathogenic with a positive predictive value of at least 99%. This is a validated machine learning model that incorporates the clinical features of 13,236 individuals referred to our laboratory for MPZ testing. This variant is also known as c.752T>A or p.Ser111Thr. ClinVar contains an entry for this variant (Variation ID: 447730). Invitae Evidence Modeling of protein sequence and biophysical properties (such as structural, functional, and spatial information, amino acid conservation, physicochemical variation, residue mobility, and thermodynamic stability) has been performed for this missense variant. However, the output from this modeling did not meet the statistical confidence thresholds required to predict the impact of this variant on MPZ protein function. This variant disrupts the p.Ser140 amino acid residue in MPZ. Other variant(s) that disrupt this residue have been determined to be pathogenic (PMID: 12207932, 22433810, 24028194). This suggests that this residue is clinically significant, and that variants that disrupt this residue are likely to be disease-causing. For these reasons, this variant has been classified as Pathogenic.

Blueprint Genetics
Classification: Pathogenic for MPZ-related disorders. Last evaluated: 2023-01-23. Review status: criteria provided, single submitter. Criteria: ACMG Guidelines, 2015. Collection method: clinical testing. Allele origin: germline. Affected: yes. Observed: 4 variant alleles.

Clinical Genetics Laboratory, Skane University Hospital Lund
Classification: Likely pathogenic. Last evaluated: 2022-07-13. Review status: criteria provided, single submitter. Criteria: ACMG Guidelines, 2015. Collection method: clinical testing. Allele origin: germline. Affected: yes.

ARUP Laboratories, Molecular Genetics and Genomics, ARUP Laboratories
Classification: Likely pathogenic. Last evaluated: 2019-05-02. Review status: criteria provided, single submitter. Criteria: ARUP Molecular Germline Variant Investigation Process. Collection method: clinical testing. Allele origin: germline.
Comment: The MPZ c.418T>A; p.Ser140Thr variant (rs572010627), also known as p.Ser111Thr using alternative nomenclature, is reported in the literature in multiple individuals affected with Charcot-Marie-Tooth (CMT) disease (Sanmaneechai 2015, Shy 2004, Son 2017, Street 2002). In one family, this variant was observed to co-segregate with disease in four affected individuals and was absent from two unaffected relatives (Street 2002). This variant is found on only two chromosomes in the Genome Aggregation Database (2/251496 alleles), indicating it is not a common polymorphism, and it is reported as pathogenic/likely pathogenic by several laboratories in ClinVar (Variation ID: 447730). The serine at codon 140 is highly conserved, but computational analyses (SIFT, PolyPhen-2) predict that this variant is tolerated. However, this variant occurs in the MPZ extracellular domain within a cluster of amino acids frequently substituted in individuals with CMT (p.Thr139Asn, p.Lys138Asn, p.Gly137Ser) (Shy 2004). Based on available information, the p.Ser140Thr variant is considered to be likely pathogenic. References: Sanmaneechai O et al. Genotype-phenotype characteristics and baseline natural history of heritable neuropathies caused by mutations in the MPZ gene. Brain. 2015 Nov;138(Pt 11):3180-92. Shy ME et al. Phenotypic clustering in MPZ mutations. Brain. 2004 Feb;127(Pt 2):371-84. Son D et al. Generation of induced pluripotent stem cell (iPSC) line from Charcot-Marie-Tooth disease patient with MPZ mutation (CMT1B). Stem Cell Res. 2017 Oct;24:5-7. Street VA et al. Charcot-Marie-Tooth neuropathy: clinical phenotypes of four novel mutations in the MPZ and Cx 32 genes. Neuromuscul Disord. 2002 Oct;12(7-8):643-50.

Athena Diagnostics
Classification: Likely pathogenic. Last evaluated: 2016-08-16. Review status: criteria provided, single submitter. Criteria: Athena Diagnostics Criteria. Collection method: clinical testing. Allele origin: germline.

Molecular Genetics Laboratory, London Health Sciences Centre
Classification: Likely pathogenic for Charcot-Marie-Tooth disease. Review status: criteria provided, single submitter. Criteria: ACMG Guidelines, 2015. Collection method: clinical testing. Allele origin: germline. Affected: yes.

Inherited Neuropathy Consortium
Classification: Uncertain significance for Charcot-Marie-Tooth disease. Review status: no assertion criteria provided. Collection method: literature only. Allele origin: germline. Affected: yes. Not counted in ClinVar's aggregate classification.

Literature cited by the submitters: PubMed 26310628 (cited by 3 submitters); PubMed 12207932 (cited by 5 submitters); PubMed 14711881 (cited by 3 submitters); PubMed 37273706 (cited by Clinical Genetics Laboratory, Region Ostergotland); PubMed 36203352 (cited by Variantyx, Inc.); PubMed 22433810 (cited by Labcorp Genetics (formerly Invitae), Labcorp); PubMed 24028194 (cited by Labcorp Genetics (formerly Invitae), Labcorp).